The following is an entry in ClinVar:

ClinVar aggregate classification (germline): Uncertain significance (1 of 4 stars; one submission).

Conditions:
Sulfite oxidase deficiency. Also called: Isolated sulfite oxidase deficiency. Identifiers: Orphanet 833, Orphanet 99731, MedGen C0268624, MONDO:0010089, OMIM 272300, HP:0003643.

Allele frequency attached by ClinVar (database versions not stated): ExAC 0.00001; TOPMed 0.00002; ESP Exome Variant Server 0.00008.
gnomAD v4.1: 5 of 1,614,054 alleles (0.00031%); highest among the groups gnomAD compares: African/African-American, 0.0067%; no homozygotes.

Submission:

Labcorp Genetics (formerly Invitae), Labcorp
Classification: Uncertain significance for Sulfite oxidase deficiency. Last evaluated: 2020-08-18. Review status: criteria provided, single submitter. Criteria: Invitae Variant Classification Sherloc (09022015). Collection method: clinical testing. Allele origin: germline.
Comment: This variant has not been reported in the literature in individuals with SUOX-related conditions. Algorithms developed to predict the effect of missense changes on protein structure and function (SIFT, PolyPhen-2, Align-GVGD) all suggest that this variant is likely to be tolerated, but these predictions have not been confirmed by published functional studies and their clinical significance is uncertain. Algorithms developed to predict the effect of sequence changes on RNA splicing suggest that this variant may create or strengthen a splice site, but this prediction has not been confirmed by published transcriptional studies. In summary, the available evidence is currently insufficient to determine the role of this variant in disease. Therefore, it has been classified as a Variant of Uncertain Significance. This variant is present in population databases (rs373891130, ExAC 0.01%). This sequence change replaces asparagine with lysine at codon 224 of the SUOX protein (p.Asn224Lys). The asparagine residue is moderately conserved and there is a moderate physicochemical difference between asparagine and lysine.

NM_001032386.2(SUOX):c.672C>G (p.Asn224Lys)

Gene: SUOX (sulfite oxidase; plus strand). Cytogenetic location: 12q13.2.
Variant type: single nucleotide variant.
Coding change: c.672C>G on transcript NM_001032386.2 (MANE Select); coding-DNA position 672, C replaced by G.
Protein change: p.Asn224Lys; replaces asparagine 224 with lysine.
Molecular consequence: missense variant.
Genome position (GRCh38, 1-based): chr12:56,004,061, C>G. VCF-style: chr12-56004061-C-G. GRCh37 (hg19) VCF-style: chr12-56397845-C-G.
Other names: c.672C>G, p.Asn224Lys (NM_000456.3, NM_001032387.2); short protein forms N224K.
Identifiers: ClinVar variation 1026319 (VCV001026319.8), dbSNP rs373891130, ClinGen allele CA6621022.
Genomic context (GRCh38, chr12:56,004,061, plus strand): 5'-AGAAAACTACATCACACCCAACCCTATCTTCTTCACCCGGAACCATCTGCCTGTACCTAA[C>G]CTGGATCCAGACACCTATCGCTTACACGTAGTAGGAGCACCTGGGGGTCAGTCACTGTCT-3'
Protein context (NP_001027558.1, residues 214-234): FFTRNHLPVP[Asn224Lys]LDPDTYRLHV